The following is an entry in ClinVar:

NM_018051.5(DYNC2I1):c.941C>T (p.Ala314Val)

Gene: DYNC2I1 (dynein 2 intermediate chain 1; plus strand). Cytogenetic location: 7q36.3.
Variant type: single nucleotide variant.
Coding change: c.941C>T on transcript NM_018051.5 (MANE Select); coding-DNA position 941, C replaced by T.
Protein change: p.Ala314Val; replaces alanine 314 with valine.
Molecular consequence: missense variant. On other transcripts: 5 prime UTR variant (3).
Genome position (GRCh38, 1-based): chr7:158,887,026, C>T. VCF-style: chr7-158887026-C-T. GRCh37 (hg19) VCF-style: chr7-158679717-C-T.
Other names: c.803C>T, p.Ala268Val (NM_001350914.2); c.368C>T, p.Ala123Val (NM_001350915.2); c.-418C>T (NM_001350916.2); c.-426C>T (NM_001350917.2); c.-545C>T (NM_001350918.2); short protein forms A314V, A268V, A123V.
Identifiers: ClinVar variation 474633 (VCV000474633.42), dbSNP rs139730326, ClinGen allele CA4594463.

ClinVar aggregate classification (germline): Benign. Review status: criteria provided, multiple submitters, no conflicts (2 of 4 stars). 3 submissions from 3 submitters: Benign (3). Last evaluated 2026-03-01.

Conditions:
Short-rib thoracic dysplasia 8 with or without polydactyly (SRTD8). Also called: SHORT-RIB THORACIC DYSPLASIA 8 WITH POLYDACTYLY. Identifiers: Orphanet 93271, MedGen C3809691, MONDO:0014214, OMIM 615503.

Allele frequency attached by ClinVar (database versions not stated): gnomAD 0.00984 and 0.00927; ExAC 0.01006; gnomAD exomes 0.01081 and 0.00981; 1000 Genomes Project 30x 0.00453; 1000 Genomes Project 0.00499; TOPMed 0.00946; ESP Exome Variant Server 0.00952.
gnomAD v4.1: 17,229 of 1,613,532 alleles (1.1%); highest among the groups gnomAD compares: Middle Eastern, 2.2%; 113 homozygotes.

Submissions (3):

CeGaT Center for Human Genetics Tuebingen
Classification: Benign. Last evaluated: 2026-03-01. Review status: criteria provided, single submitter. Criteria: CeGaT Center For Human Genetics Tuebingen Variant Classification Criteria Version 2. Collection method: clinical testing. Allele origin: germline. Affected: yes. Observed: 8 variant alleles.
Comment: DYNC2I1: BP4, BS1, BS2

Labcorp Genetics (formerly Invitae), Labcorp
Classification: Benign for Short-rib thoracic dysplasia 8 with or without polydactyly. Last evaluated: 2026-01-26. Review status: criteria provided, single submitter. Criteria: Invitae Variant Classification Sherloc (09022015). Collection method: clinical testing. Allele origin: germline.

Breakthrough Genomics
Classification: Benign. Review status: criteria provided, single submitter. Criteria: ACMG Guidelines, 2015. Collection method: not provided. Allele origin: germline. Inheritance: Autosomal recessive inheritance. Affected: yes.